The following is an entry in ClinVar:

NM_153240.5(NPHP3):c.3008A>G (p.Asn1003Ser)

Genes: NPHP3 (nephrocystin 3; minus strand), NPHP3-ACAD11 (NPHP3-ACAD11 readthrough (NMD candidate); minus strand). Cytogenetic location: 3q22.1.
Variant type: single nucleotide variant.
Coding change: c.3008A>G on transcript NM_153240.5 (MANE Select); coding-DNA position 3008, A replaced by G.
Protein change: p.Asn1003Ser; replaces asparagine 1003 with serine.
Molecular consequence: missense variant. On other transcripts: non-coding transcript variant (1).
Genome position (GRCh38, 1-based): chr3:132,688,767, T>C on the plus strand (A>G on the coding strand, the complement: NPHP3 is on the minus strand). VCF-style: chr3-132688767-T-C. GRCh37 (hg19) VCF-style: chr3-132407611-T-C.
Other names: short protein forms N1003S.
Identifiers: ClinVar variation 2168326 (VCV002168326.4), dbSNP rs1939225930, ClinGen allele CA354579982.

ClinVar aggregate classification (germline): Uncertain significance (1 of 4 stars; one submission).

Conditions:
Nephronophthisis. Also called: Juvenile Nephronophthisis. Identifiers: Orphanet 655, MedGen C0687120, MONDO:0019005, HP:0000090.

Allele frequency attached by ClinVar (database versions not stated): gnomAD exomes 0.00001.
gnomAD v4.1: 10 of 1,614,152 alleles (0.00062%); highest among the groups gnomAD compares: Non-Finnish European, 0.00085%; no homozygotes.

Submission:

Labcorp Genetics (formerly Invitae), Labcorp
Classification: Uncertain significance for Nephronophthisis. Last evaluated: 2022-06-11. Review status: criteria provided, single submitter. Criteria: Invitae Variant Classification Sherloc (09022015). Collection method: clinical testing. Allele origin: germline.
Comment: In summary, the available evidence is currently insufficient to determine the role of this variant in disease. Therefore, it has been classified as a Variant of Uncertain Significance. Algorithms developed to predict the effect of missense changes on protein structure and function (SIFT, PolyPhen-2, Align-GVGD) all suggest that this variant is likely to be tolerated. This variant has not been reported in the literature in individuals affected with NPHP3-related conditions. This variant is not present in population databases (gnomAD no frequency). This sequence change replaces asparagine, which is neutral and polar, with serine, which is neutral and polar, at codon 1003 of the NPHP3 protein (p.Asn1003Ser).